The following is an entry in ClinVar:

ClinVar aggregate classification (germline): Conflicting classifications of pathogenicity. Review status: criteria provided, conflicting classifications (1 of 4 stars). 3 submissions from 3 submitters: Likely pathogenic (1); Uncertain significance (2). Last evaluated 2024-12-12.

Conditions:
Bone mineral density quantitative trait locus 1 (BMND1). Identifiers: MedGen C1866079, OMIM 601884.
Worth disease. Also called: ENDOSTEAL HYPEROSTOSIS, AUTOSOMAL DOMINANT; OSTEOSCLEROSIS, AUTOSOMAL DOMINANT; Autosomal dominant osteosclerosis, Worth type. Identifiers: Orphanet 2790, MedGen C0432273, MONDO:0007764, OMIM 144750.
Exudative vitreoretinopathy 4 (EVR4). Identifiers: Orphanet 891, MedGen C1866176, MONDO:0011151, OMIM 601813.
Polycystic liver disease 4 with or without kidney cysts. Identifiers: MedGen C4693479, MONDO:0044327, OMIM 617875.
Autosomal dominant osteopetrosis 1 (OPTA1). Also called: OSTEOPETROSIS, AUTOSOMAL DOMINANT, TYPE I. Identifiers: Orphanet 2783, MedGen C1843330, MONDO:0011877, OMIM 607634.
Osteoporosis with pseudoglioma (OPPG). Also called: osteoporosis-pseudoglioma syndrome. Identifiers: Orphanet 2788, MedGen C0432252, MONDO:0009820, OMIM 259770.

Allele frequency attached by ClinVar (database versions not stated): gnomAD exomes 0.00001 and 0.00002; ExAC 0.00002; gnomAD 0.00003 and 0.00004; TOPMed 0.00003.
gnomAD v4.1: 26 of 1,613,488 alleles (0.0016%); highest among the groups gnomAD compares: South Asian, 0.0055%; no homozygotes.

Submissions (3):

Labcorp Genetics (formerly Invitae), Labcorp
Classification: Likely pathogenic. Last evaluated: 2024-12-12. Review status: criteria provided, single submitter. Criteria: Invitae Variant Classification Sherloc (09022015). Collection method: clinical testing. Allele origin: germline.
Comment: This sequence change replaces arginine, which is basic and polar, with histidine, which is basic and polar, at codon 444 of the LRP5 protein (p.Arg444His). This variant is present in population databases (rs761049544, gnomAD 0.008%). This variant has not been reported in the literature in individuals affected with LRP5-related conditions. ClinVar contains an entry for this variant (Variation ID: 1009413). Invitae Evidence Modeling of protein sequence and biophysical properties (such as structural, functional, and spatial information, amino acid conservation, physicochemical variation, residue mobility, and thermodynamic stability) has been performed for this missense variant. However, the output from this modeling did not meet the statistical confidence thresholds required to predict the impact of this variant on LRP5 protein function. This variant disrupts the p.Arg444 amino acid residue in LRP5. Other variant(s) that disrupt this residue have been determined to be pathogenic (PMID: 15981244, 17955262, 26244290; internal data). This suggests that this residue is clinically significant, and that variants that disrupt this residue are likely to be disease-causing. In summary, the currently available evidence indicates that the variant is pathogenic, but additional data are needed to prove that conclusively. Therefore, this variant has been classified as Likely Pathogenic.

Women's Health and Genetics/Laboratory Corporation of America, LabCorp
Classification: Uncertain significance. Last evaluated: 2024-10-08. Review status: criteria provided, single submitter. Criteria: LabCorp Variant Classification Summary - May 2015. Collection method: clinical testing. Allele origin: germline.
Comment: Variant summary: LRP5 c.1331G>A (p.Arg444His) results in a non-conservative amino acid change in the encoded protein sequence. Five of five in-silico tools predict a damaging effect of the variant on protein function. The variant allele was found at a frequency of 2e-05 in 250148 control chromosomes. The available data on variant occurrences in the general population are insufficient to allow any conclusion about variant significance. c.1331G>A has been reported in the literature in a cohort of individuals affected with Familial Exudative Vitreoretinopathy, however no genotype-specific information was provided (Chen_2018, variant confirmed by personal communication as per HGMD database). This report does not provide unequivocal conclusions about association of the variant with Familial Exudative Vitreoretinopathy. To our knowledge, no experimental evidence demonstrating an impact on protein function has been reported. The following publications have been ascertained in the context of this evaluation (PMID: 30513533, 35885997). ClinVar contains an entry for this variant (Variation ID: 1009413). Based on the evidence outlined above, the variant was classified as uncertain significance.

Fulgent Genetics
Classification: Uncertain significance for Worth disease; Osteoporosis with pseudoglioma; Exudative vitreoretinopathy 4; Bone mineral density quantitative trait locus 1; Autosomal dominant osteopetrosis 1; Polycystic liver disease 4 with or without kidney cysts. Last evaluated: 2024-04-17. Review status: criteria provided, single submitter. Criteria: ACMG Guidelines, 2015. Collection method: clinical testing. Allele origin: germline.

Literature cited by the submitters: PubMed 15981244 (cited by Labcorp Genetics (formerly Invitae), Labcorp); PubMed 17955262 (cited by Labcorp Genetics (formerly Invitae), Labcorp); PubMed 26244290 (cited by Labcorp Genetics (formerly Invitae), Labcorp); PubMed 30513533 (cited by Women's Health and Genetics/Laboratory Corporation of America, LabCorp); PubMed 35885997 (cited by Women's Health and Genetics/Laboratory Corporation of America, LabCorp).

NM_002335.4(LRP5):c.1331G>A (p.Arg444His)

Gene: LRP5 (LDL receptor related protein 5; plus strand). Cytogenetic location: 11q13.2.
Variant type: single nucleotide variant.
Coding change: c.1331G>A on transcript NM_002335.4 (MANE Select); coding-DNA position 1331, G replaced by A.
Protein change: p.Arg444His; replaces arginine 444 with histidine.
Molecular consequence: missense variant. On other transcripts: 5 prime UTR variant (1).
Genome position (GRCh38, 1-based): chr11:68,386,631, G>A. VCF-style: chr11-68386631-G-A. GRCh37 (hg19) VCF-style: chr11-68154099-G-A.
Other names: c.-435G>A (NM_001291902.2); short protein forms R444H.
Identifiers: ClinVar variation 1009413 (VCV001009413.10), dbSNP rs761049544, ClinGen allele CA6149305.
Genomic context (GRCh38, chr11:68,386,631, plus strand): 5'-ACTGGGTGGCCCGAAACCTCTACTGGACCGACACGGGCACGGACCGCATCGAGGTGACGC[G>A]CCTCAACGGCACCTCCCGCAAGATCCTGGTGTCGGAGGACCTGGACGAGCCCCGAGCCAT-3'
Protein context (NP_002326.2, residues 434-454): DTGTDRIEVT[Arg444His]LNGTSRKILV